The following is an entry in ClinVar:

ClinVar aggregate classification (germline): Uncertain significance (1 of 4 stars; one submission).

Conditions:
Hereditary cancer-predisposing syndrome. Also called: Tumor predisposition; Hereditary neoplastic syndrome; Neoplastic Syndromes, Hereditary; Hereditary Cancer Syndrome. Identifiers: Orphanet 140162, MedGen C0027672, MeSH D009386, MONDO:0015356.

Submission:

Ambry Genetics
Classification: Uncertain significance for Hereditary cancer-predisposing syndrome. Last evaluated: 2025-04-19. Review status: criteria provided, single submitter. Criteria: Ambry Variant Classification Scheme 2023. Collection method: clinical testing. Allele origin: germline.
Comment: The p.F1890L variant (also known as c.5670T>G), located in coding exon 26 of the DICER1 gene, results from a T to G substitution at nucleotide position 5670. The phenylalanine at codon 1890 is replaced by leucine, an amino acid with highly similar properties. This amino acid position is conserved. In addition, the in silico prediction for this alteration is inconclusive. Based on the available evidence, the clinical significance of this variant remains unclear.

NM_177438.3(DICER1):c.5670T>G (p.Phe1890Leu)

Gene: DICER1 (dicer 1, ribonuclease III; minus strand). Cytogenetic location: 14q32.13.
Variant type: single nucleotide variant.
Coding change: c.5670T>G on transcript NM_177438.3 (MANE Select); coding-DNA position 5670, T replaced by G.
Protein change: p.Phe1890Leu; replaces phenylalanine 1890 with leucine.
Molecular consequence: missense variant. On other transcripts: non-coding transcript variant (6), 3 prime UTR variant (1).
Genome position (GRCh38, 1-based): chr14:95,090,597, A>C on the plus strand (T>G on the coding strand, the complement: DICER1 is on the minus strand). VCF-style: chr14-95090597-A-C. GRCh37 (hg19) VCF-style: chr14-95556934-A-C.
Other names: c.*17T>G (NM_001195573.1); c.5670T>G, p.Phe1890Leu (NM_001271282.3, NM_001291628.2, NM_001395677.1 and 7 more transcripts); c.5388T>G, p.Phe1796Leu (NM_001395686.1); c.5265T>G, p.Phe1755Leu (NM_001395687.1, NM_001395688.1, NM_001395689.1 and 1 more transcripts); c.5103T>G, p.Phe1701Leu (NM_001395691.1); c.3987T>G, p.Phe1329Leu (NM_001395697.1); short protein forms F1796L, F1890L, F1329L, F1701L, F1755L.
Identifiers: ClinVar variation 4011644 (VCV004011644.1).